The following is an entry in ClinVar:

ClinVar aggregate classification (germline): Uncertain significance (1 of 4 stars; one submission).

Conditions:
Glutamate formiminotransferase deficiency. Also called: Formiminoglutamic aciduria; Arakawa syndrome 1. Identifiers: Orphanet 51208, MedGen C0268609, MONDO:0009240, OMIM 229100.

Allele frequency attached by ClinVar (database versions not stated): ExAC 0.00001; TOPMed 0.00002.
gnomAD v4.1: 18 of 1,612,742 alleles (0.0011%); highest among the groups gnomAD compares: East Asian, 0.0067%; no homozygotes.

Submission:

Labcorp Genetics (formerly Invitae), Labcorp
Classification: Uncertain significance for Glutamate formiminotransferase deficiency. Last evaluated: 2022-06-05. Review status: criteria provided, single submitter. Criteria: Invitae Variant Classification Sherloc (09022015). Collection method: clinical testing. Allele origin: germline.
Comment: This sequence change replaces arginine, which is basic and polar, with tryptophan, which is neutral and slightly polar, at codon 204 of the FTCD protein (p.Arg204Trp). In summary, the available evidence is currently insufficient to determine the role of this variant in disease. Therefore, it has been classified as a Variant of Uncertain Significance. Algorithms developed to predict the effect of missense changes on protein structure and function are either unavailable or do not agree on the potential impact of this missense change (SIFT: "Deleterious"; PolyPhen-2: "Probably Damaging"; Align-GVGD: "Class C15"). This variant has not been reported in the literature in individuals affected with FTCD-related conditions. This variant is present in population databases (rs760263005, gnomAD 0.01%).

NM_206965.2(FTCD):c.610C>T (p.Arg204Trp)

Gene: FTCD (formimidoyltransferase cyclodeaminase; minus strand). Cytogenetic location: 21q22.3.
Variant type: single nucleotide variant.
Coding change: c.610C>T on transcript NM_206965.2 (MANE Select); coding-DNA position 610, C replaced by T.
Protein change: p.Arg204Trp; replaces arginine 204 with tryptophan.
Molecular consequence: missense variant.
Genome position (GRCh38, 1-based): chr21:46,151,584, G>A on the plus strand (C>T on the coding strand, the complement: FTCD is on the minus strand). VCF-style: chr21-46151584-G-A. GRCh37 (hg19) VCF-style: chr21-47571498-G-A.
Other names: c.610C>T, p.Arg204Trp (NM_001320412.2, NM_006657.3); short protein forms R204W.
Identifiers: ClinVar variation 2159551 (VCV002159551.4), dbSNP rs760263005, ClinGen allele CA10073813.